The following is an entry in ClinVar:

NM_032043.3(BRIP1):c.1101T>C (p.Cys367=)

Gene: BRIP1 (BRCA1 interacting DNA helicase 1; minus strand). Cytogenetic location: 17q23.2.
Variant type: single nucleotide variant.
Coding change: c.1101T>C on transcript NM_032043.3 (MANE Select); coding-DNA position 1101, T replaced by C.
Protein change: p.Cys367=; no amino-acid change (cysteine 367 retained).
Molecular consequence: synonymous variant.
Genome position (GRCh38, 1-based): chr17:61,801,292, A>G on the plus strand (T>C on the coding strand, the complement: BRIP1 is on the minus strand). VCF-style: chr17-61801292-A-G. GRCh37 (hg19) VCF-style: chr17-59878653-A-G.
Identifiers: ClinVar variation 3378591 (VCV003378591.1).

ClinVar aggregate classification (germline): Benign (1 of 4 stars; one submission).

Conditions:
Familial cancer of breast. Also called: hereditary breast carcinoma; Hereditary breast cancer; BREAST CANCER, FAMILIAL. Identifiers: Orphanet 227535, MedGen C0346153, MONDO:0016419, OMIM 114480. Disease mechanism: loss of function.

Submission:

Myriad Genetics, Inc.
Classification: Benign for Familial cancer of breast. Last evaluated: 2024-08-23. Review status: criteria provided, single submitter. Criteria: Myriad Autosomal Dominant, Autosomal Recessive and X-Linked Classification Criteria (2023). Collection method: clinical testing. Allele origin: unknown.
Comment: This variant is considered benign. This variant is a silent/synonymous amino acid change and it is not expected to impact splicing.